The following is an entry in ClinVar:

NM_015047.3(EMC1):c.510T>C (p.Ser170=)

Gene: EMC1 (ER membrane protein complex subunit 1; minus strand). Cytogenetic location: 1p36.13.
Variant type: single nucleotide variant.
Coding change: c.510T>C on transcript NM_015047.3 (MANE Select); coding-DNA position 510, T replaced by C.
Protein change: p.Ser170=; no amino-acid change (serine 170 retained).
Molecular consequence: synonymous variant.
Genome position (GRCh38, 1-based): chr1:19,241,142, A>G on the plus strand (T>C on the coding strand, the complement: EMC1 is on the minus strand). VCF-style: chr1-19241142-A-G. GRCh37 (hg19) VCF-style: chr1-19567636-A-G.
Other names: c.510T>C, p.Ser170= (NM_001271427.2, NM_001271428.2, NM_001375820.1 and 1 more transcripts); c.444T>C, p.Ser148= (NM_001271429.2).
Identifiers: ClinVar variation 3673612 (VCV003673612.2).
Genomic context (GRCh38, chr1:19,241,142, plus strand): 5'-TCCGAGGGCCCACACCACCCCAGAGCCGTAAGAATACACCATCTGGTAGTGGATGCTGTC[A>G]CTAAGAGAGGGAAGAAGAAACCGCAGCGTCAGCTTTCAACCCAGGACAGGATTATCCTCA-3'
Protein context (NP_055862.1, residues 160-180): HLKWVEHLPE[Ser170=]DSIHYQMVYS

ClinVar aggregate classification (germline): Uncertain significance (1 of 4 stars; one submission).

Submission:

Labcorp Genetics (formerly Invitae), Labcorp
Classification: Uncertain significance. Last evaluated: 2024-09-13. Review status: criteria provided, single submitter. Criteria: Invitae Variant Classification Sherloc (09022015). Collection method: clinical testing. Allele origin: germline.
Comment: This sequence change affects codon 170 of the EMC1 mRNA. It is a 'silent' change, meaning that it does not change the encoded amino acid sequence of the EMC1 protein. It affects a nucleotide within the consensus splice site. This variant is not present in population databases (gnomAD no frequency). This variant has not been reported in the literature in individuals affected with EMC1-related conditions. Algorithms developed to predict the effect of sequence changes on RNA splicing suggest that this variant is not likely to affect RNA splicing. In summary, the available evidence is currently insufficient to determine the role of this variant in disease. Therefore, it has been classified as a Variant of Uncertain Significance.